The following is an entry in ClinVar:

ClinVar aggregate classification (germline): Uncertain significance (1 of 4 stars; one submission).

gnomAD v4.1: 1 of 1,613,836 alleles (0.000062%); highest among the groups gnomAD compares: Non-Finnish European, 0.000085%; no homozygotes.

Submission:

Ambry Genetics
Classification: Uncertain significance. Last evaluated: 2024-06-07. Review status: criteria provided, single submitter. Criteria: Ambry Variant Classification Scheme 2023. Collection method: clinical testing. Allele origin: germline.
Comment: The p.I1033V variant (also known as c.3097A>G), located in coding exon 27 of the PRKDC gene, results from an A to G substitution at nucleotide position 3097. The isoleucine at codon 1033 is replaced by valine, an amino acid with highly similar properties. This amino acid position is conserved. In addition, this alteration is predicted to be tolerated by in silico analysis. Based on the available evidence, the clinical significance of this variant remains unclear.

NM_006904.7(PRKDC):c.3097A>G (p.Ile1033Val)

Gene: PRKDC (protein kinase, DNA-activated, catalytic subunit; minus strand). Cytogenetic location: 8q11.21.
Variant type: single nucleotide variant.
Coding change: c.3097A>G on transcript NM_006904.7 (MANE Select); coding-DNA position 3097, A replaced by G.
Protein change: p.Ile1033Val; replaces isoleucine 1033 with valine.
Molecular consequence: missense variant.
Genome position (GRCh38, 1-based): chr8:47,902,741, T>C on the plus strand (A>G on the coding strand, the complement: PRKDC is on the minus strand). VCF-style: chr8-47902741-T-C. GRCh37 (hg19) VCF-style: chr8-48815301-T-C.
Other names: c.3097A>G, p.Ile1033Val (NM_001081640.2); short protein forms I1033V.
Identifiers: ClinVar variation 3310174 (VCV003310174.1).